The following is an entry in ClinVar:

NM_002292.4(LAMB2):c.4573+6C>T

Gene: LAMB2 (laminin subunit beta 2; minus strand). Cytogenetic location: 3p21.31.
Variant type: single nucleotide variant.
Coding change: c.4573+6C>T on transcript NM_002292.4 (MANE Select); 6 bases into the intron after coding-DNA position 4573, C replaced by T.
Molecular consequence: intron variant.
Genome position (GRCh38, 1-based): chr3:49,122,698, G>A on the plus strand (C>T on the coding strand, the complement: LAMB2 is on the minus strand). VCF-style: chr3-49122698-G-A. GRCh37 (hg19) VCF-style: chr3-49160131-G-A.
Identifiers: ClinVar variation 2127299 (VCV002127299.4), dbSNP rs1180686179, ClinGen allele CA543048533.

ClinVar aggregate classification (germline): Uncertain significance (1 of 4 stars; one submission).

Conditions:
Pierson syndrome. Also called: MICROCORIA-CONGENITAL NEPHROTIC SYNDROME. Identifiers: Orphanet 2670, MedGen C1836876, MONDO:0012184, OMIM 609049.
LAMB2-related infantile-onset nephrotic syndrome. Also called: Nephrotic Syndrome, type 5; NEPHROTIC SYNDROME, TYPE 5, WITHOUT OCULAR ABNORMALITIES; NEPHROTIC SYNDROME, TYPE 5, WITH OCULAR ABNORMALITIES. Identifiers: Orphanet 306507, MedGen C3280113, MONDO:0013621, OMIM 614199.

Allele frequency attached by ClinVar (database versions not stated): gnomAD 0.00001.

Submission:

Labcorp Genetics (formerly Invitae), Labcorp
Classification: Uncertain significance for LAMB2-related infantile-onset nephrotic syndrome; Pierson syndrome. Last evaluated: 2022-04-18. Review status: criteria provided, single submitter. Criteria: Invitae Variant Classification Sherloc (09022015). Collection method: clinical testing. Allele origin: germline.
Comment: In summary, the available evidence is currently insufficient to determine the role of this variant in disease. Therefore, it has been classified as a Variant of Uncertain Significance. Variants that disrupt the consensus splice site are a relatively common cause of aberrant splicing (PMID: 17576681, 9536098). Algorithms developed to predict the effect of sequence changes on RNA splicing suggest that this variant is not likely to affect RNA splicing. This variant has not been reported in the literature in individuals affected with LAMB2-related conditions. This variant is not present in population databases (gnomAD no frequency). This sequence change falls in intron 27 of the LAMB2 gene. It does not directly change the encoded amino acid sequence of the LAMB2 protein. It affects a nucleotide within the consensus splice site.

Literature cited by the submitters: PubMed 17576681; PubMed 9536098.